The following is an entry in ClinVar:

ClinVar aggregate classification (germline): Uncertain significance (1 of 4 stars; one submission).

Conditions:
Cardiovascular phenotype. Identifiers: MedGen CN230736.

gnomAD v4.1: 1 of 1,613,010 alleles (0.000062%); highest among the groups gnomAD compares: Admixed American, 0.0017%; no homozygotes.

Submission:

Ambry Genetics
Classification: Uncertain significance for Cardiovascular phenotype. Last evaluated: 2025-09-08. Review status: criteria provided, single submitter. Criteria: Ambry Variant Classification Scheme 2023. Collection method: clinical testing. Allele origin: germline.
Comment: The c.3246-3C>G intronic variant results from a C to G substitution 3 nucleotides upstream from coding exon 24 in the MYH7 gene. This nucleotide position is well conserved in available vertebrate species. In silico splice site analysis predicts that this alteration will weaken the native splice acceptor site and will result in the creation or strengthening of a novel splice acceptor site. Based on the available evidence, the clinical significance of this variant remains unclear.

NM_000257.4(MYH7):c.3246-3C>G

Gene: MYH7 (myosin heavy chain 7; minus strand). Cytogenetic location: 14q11.2.
Variant type: single nucleotide variant.
Coding change: c.3246-3C>G on transcript NM_000257.4 (MANE Select); 3 bases into the intron before coding-DNA position 3246, C replaced by G.
Molecular consequence: intron variant.
Genome position (GRCh38, 1-based): chr14:23,421,051, G>C on the plus strand (C>G on the coding strand, the complement: MYH7 is on the minus strand). VCF-style: chr14-23421051-G-C. GRCh37 (hg19) VCF-style: chr14-23890260-G-C.
Other names: c.3246-3C>G (NM_001407004.1).
Identifiers: ClinVar variation 4114897 (VCV004114897.1).
Genomic context (GRCh38, chr14:23,421,051, plus strand): 5'-GCCGAGGGCCTGTTCATCCTCAATCCTTGCGTTGAGAGCATTCAGCTCAAAGTCTTTTCT[G>C]TGGGGAAGGAGGGATGGTGAGGTAAGGGAGACTCGTGGGGCCTCAGGAGGGTCCACCAGT-3'